The following is an entry in ClinVar:

NM_016239.4(MYO15A):c.10076del (p.Pro3359fs)

Gene: MYO15A (myosin XVA; plus strand). Cytogenetic location: 17p11.2.
Variant type: Deletion.
Coding change: c.10076del on transcript NM_016239.4 (MANE Select); coding-DNA position 10076, one base deleted (C; older notation c.10076delC).
Protein change: p.Pro3359fs; shifts the reading frame from proline 3359.
Molecular consequence: frameshift variant.
Genome position (GRCh38, 1-based): chr17:18,167,717, C deleted; the last of 2 consecutive C bases (chr17:18,167,716-18,167,717); deleting either gives the same sequence. VCF-style (leftmost placement, unchanged base first): chr17-18167715-GC-G. GRCh37 (hg19) VCF-style: chr17-18071029-GC-G.
Other names: short protein forms P3359fs.
Identifiers: ClinVar variation 4718348 (VCV004718348.1).

ClinVar aggregate classification (germline): Pathogenic (1 of 4 stars; one submission).

Submission:

Labcorp Genetics (formerly Invitae), Labcorp
Classification: Pathogenic. Last evaluated: 2025-06-03. Review status: criteria provided, single submitter. Criteria: Invitae Variant Classification Sherloc (09022015). Collection method: clinical testing. Allele origin: germline.
Comment: This sequence change creates a premature translational stop signal (p.Pro3359Argfs*94) in the MYO15A gene. It is expected to result in an absent or disrupted protein product. Loss-of-function variants in MYO15A are known to be pathogenic (PMID: 17546645). This variant is not present in population databases (gnomAD no frequency). This variant has not been reported in the literature in individuals affected with MYO15A-related conditions. For these reasons, this variant has been classified as Pathogenic.

Literature cited by the submitters: PubMed 17546645.